The following is an entry in ClinVar:

ClinVar aggregate classification (germline): Pathogenic (1 of 4 stars; one submission).

Conditions:
CHARGE syndrome (CHARGE). Also called: Hittner Hirsch Kreh syndrome; Coloboma, heart anomaly, choanal atresia, retardation, genital and ear anomalies; CHARGE association; Hall-Hittner syndrome; CHARGE ASSOCIATION--COLOBOMA, HEART ANOMALY, CHOANAL ATRESIA, RETARDATION, GENITAL AND EAR ANOMALIES. Identifiers: Orphanet 138, MedGen C0265354, MONDO:0008965.

Submission:

Genomic Diagnostic Laboratory, Division of Genomic Diagnostics, Children's Hospital of Philadelphia
Classification: Pathogenic for CHARGE syndrome. Last evaluated: 2016-09-05. Review status: criteria provided, single submitter. Criteria: DGD Variant Analysis Guidelines. Collection method: clinical testing. Allele origin: germline. Affected: yes. Observed: 1 variant allele.
Comment: Clinical Testing

NM_017780.4(CHD7):c.3674dup (p.Asn1225fs)

Gene: CHD7 (chromodomain helicase DNA binding protein 7; plus strand). Cytogenetic location: 8q12.2.
Variant type: Duplication.
Coding change: c.3674dup on transcript NM_017780.4 (MANE Select); coding-DNA position 3674, one base duplicated (A; older notation c.3674dupA).
Protein change: p.Asn1225fs; shifts the reading frame from asparagine 1225.
Molecular consequence: frameshift variant. On other transcripts: intron variant (1).
Genome position (GRCh38, 1-based): chr8:60,830,473, A duplicated; the last of 2 consecutive A bases (chr8:60,830,472-60,830,473); duplicating either gives the same sequence. VCF-style (leftmost placement, unchanged base first): chr8-60830471-G-GA. GRCh37 (hg19) VCF-style: chr8-61743030-G-GA.
Other names: c.3674dup (LRG_176t1); c.1717-31756dup (NM_001316690.1); short protein forms N1225fs.
Identifiers: ClinVar variation 267428 (VCV000267428.2), dbSNP rs886040989, ClinGen allele CA10602495.
Genomic context (GRCh38, chr8:60,830,471, plus strand): 5'-TATTATTGAAGTTGAGCTAACAAACATTCAGAAGAAATATTACCGAGCCATCCTTGAGAA[G>GA]AATTTCACATTTCTTTCCAAAGGCGGTGGTCAAGCTAACGTACCTAACCTATTAAACACT-3'